The following is an entry in ClinVar:

ClinVar aggregate classification (germline): Pathogenic/Likely pathogenic. Review status: criteria provided, multiple submitters, no conflicts (2 of 4 stars). 7 submissions from 7 submitters: Pathogenic (5); Likely pathogenic (1). 1 of the submissions does not count toward it. Last evaluated 2025-08-03.

Conditions:
Progressive external ophthalmoplegia. Also called: Chronic Progressive External Ophthalmoplegia (CPEO); Ophthalmoplegia, Chronic Progressive External. Identifiers: Orphanet 520820, MedGen C0162674, MeSH D017246, MONDO:0005181, HP:0000590.
Depression. Also called: Mental depression; Depressive disorder; Depressivity. Identifiers: MedGen C0011581, MeSH D003866, MONDO:0002050, HP:0000716.
Abnormal mitochondria in muscle tissue. Identifiers: MedGen C4021546, HP:0008316.
EMG: myopathic abnormalities. Identifiers: MedGen C4021726, HP:0003458.
Neuromuscular dysphagia. Identifiers: MedGen C4025729, HP:0002068.
Bilateral ptosis. Identifiers: MedGen C1865916, HP:0001488.
Dysphonia. Identifiers: MedGen C1527344, HP:0001618.
Bilateral sensorineural hearing impairment. Also called: Bilateral sensorineural hearing loss. Identifiers: MedGen C0452138, HP:0008619.
Progressive external ophthalmoplegia with mitochondrial DNA deletions, autosomal dominant 3. Also called: PROGRESSIVE EXTERNAL OPHTHALMOPLEGIA, AUTOSOMAL DOMINANT 3. Identifiers: MedGen C1836439, MONDO:0012241, OMIM 609286.
Mitochondrial disease. Also called: Mitochondrial disorder; Mitochondrial disorders. Identifiers: Orphanet 68380, MedGen C0751651, MeSH D028361, MONDO:0044970.

Submissions (7):

GeneDx
Classification: Pathogenic. Last evaluated: 2025-08-03. Review status: criteria provided, single submitter. Criteria: GeneDx Variant Classification Process June 2021. Collection method: clinical testing. Allele origin: germline. Affected: yes.
Comment: Published functional studies in HEK293 cells demonstrate a damaging effect with a reduction of enzyme activity to 25% compared to wild-type (PMID: 18971204); Not observed at significant frequency in large population cohorts (gnomAD); In silico analysis supports that this missense variant has a deleterious effect on protein structure/function; This variant is associated with the following publications: (PMID: 20659899, 16639411, 11431692, 20417176, 17272269, 18279890, 29264394, 17620490, 20479361, 20880070, 22353293, 26979109, 31147703, 32161153, Olimpia2020[review], 35011763, 33486010, 33396418, 35289132, 18971204, 26838077)

3billion
Classification: Pathogenic for Progressive external ophthalmoplegia with mitochondrial DNA deletions, autosomal dominant 3. Last evaluated: 2025-03-13. Review status: criteria provided, single submitter. Criteria: ACMG Guidelines, 2015. Collection method: clinical testing. Allele origin: germline. Affected: yes.
Comment: The variant is not observed in the gnomAD v4.1.0 dataset. Predicted Consequence/Location: The variant is located in a mutational hot spot and/or well-established functional domain in which established pathogenic variants have been reported (PMID: 32283748, 20880070, 20479361). In silico tool predictions suggest damaging effect of the variant on gene or gene product [REVEL: 0.88 (>=0.6, sensitivity 0.68 and specificity 0.92); 3Cnet: 0.99 (> 0.75, sensitivity 0.96 and precision 0.92)]. The same nucleotide change resulting in the same amino acid change has been previously reported as pathogenic/likely pathogenic with strong evidence (ClinVar ID: VCV000426106 / PMID: 11431692 / 3billion dataset). Different missense changes at the same codon (p.Arg374Leu, p.Arg374Trp) have been reported as pathogenic/likely pathogenic with strong evidence (ClinVar ID: VCV000004629 / PMID: 19513767 / 3billion dataset). Therefore, this variant is classified as Pathogenic according to the recommendation of ACMG/AMP guideline.

Labcorp Genetics (formerly Invitae), Labcorp
Classification: Pathogenic. Last evaluated: 2024-08-31. Review status: criteria provided, single submitter. Criteria: Invitae Variant Classification Sherloc (09022015). Collection method: clinical testing. Allele origin: germline.
Comment: This sequence change replaces arginine, which is basic and polar, with glutamine, which is neutral and polar, at codon 374 of the TWNK protein (p.Arg374Gln). This variant is not present in population databases (gnomAD no frequency). This missense change has been observed in individuals with autosomal dominant progressive external ophthalmoplegia (PMID: 11431692, 20880070, 32161153). It has also been observed to segregate with disease in related individuals. ClinVar contains an entry for this variant (Variation ID: 426106). Invitae Evidence Modeling of protein sequence and biophysical properties (such as structural, functional, and spatial information, amino acid conservation, physicochemical variation, residue mobility, and thermodynamic stability) indicates that this missense variant is expected to disrupt TWNK protein function with a positive predictive value of 95%. For these reasons, this variant has been classified as Pathogenic.

Women's Health and Genetics/Laboratory Corporation of America, LabCorp
Classification: Pathogenic for Progressive external ophthalmoplegia with mitochondrial DNA deletions, autosomal dominant 3. Last evaluated: 2024-05-16. Review status: criteria provided, single submitter. Criteria: LabCorp Variant Classification Summary - May 2015. Collection method: clinical testing. Allele origin: germline.
Comment: Variant summary: TWNK c.1121G>A (p.Arg374Gln) results in a conservative amino acid change in the encoded protein sequence. Four of five in-silico tools predict a damaging effect of the variant on protein function. The variant was absent in 251374 control chromosomes. c.1121G>A has been reported in the literature in multiple individuals affected with Progressive External Ophthalmoplegia With Mitochondrial DNA Deletions, Autosomal Dominant 3 and the variant segregated with the disease (example: Baloh_20017, Hou_2022). These data indicate that the variant is very likely to be associated with disease. At least one publication reports experimental evidence that the variant changes the normal function of the protein (Matsushima_2016, Goffart_2009). The following publications have been ascertained in the context of this evaluation (PMID: 17620490, 17272269, 35289132, 18971204). ClinVar contains an entry for this variant (Variation ID: 426106). Based on the evidence outlined above, the variant was classified as pathogenic.

Centre for Mendelian Genomics, University Medical Centre Ljubljana
Classification: Likely pathogenic for Abnormal mitochondria in muscle tissue; Bilateral ptosis; Bilateral sensorineural hearing impairment; Depression; Dysphonia; EMG: myopathic abnormalities; Neuromuscular dysphagia; Progressive external ophthalmoplegia. Last evaluated: 2017-01-01. Review status: criteria provided, single submitter. Criteria: ACMG Guidelines, 2015. Collection method: clinical testing. Allele origin: unknown. Affected: yes.

Athena Diagnostics
Classification: Pathogenic. Last evaluated: 2015-10-07. Review status: criteria provided, single submitter. Criteria: Athena Diagnostics Criteria. Collection method: clinical testing. Allele origin: germline.

Mitochondrial Research Group, Newcastle University
Classification: Pathogenic for Mitochondrial disease. Last evaluated: 2017-04-07. Review status: no assertion criteria provided. Collection method: clinical testing. Allele origin: germline. Affected: yes. Observed: 1 variant allele. Not counted in ClinVar's aggregate classification.

Literature cited by the submitters: PubMed 11431692 (cited by 3billion and Labcorp Genetics (formerly Invitae), Labcorp); PubMed 19513767 (cited by 3billion and Athena Diagnostics); PubMed 20880070 (cited by Labcorp Genetics (formerly Invitae), Labcorp and Athena Diagnostics); PubMed 32161153 (cited by Labcorp Genetics (formerly Invitae), Labcorp); PubMed 35289132 (cited by Women's Health and Genetics/Laboratory Corporation of America, LabCorp); PubMed 17620490 (cited by Women's Health and Genetics/Laboratory Corporation of America, LabCorp and Athena Diagnostics); PubMed 18971204 (cited by Women's Health and Genetics/Laboratory Corporation of America, LabCorp and Athena Diagnostics); PubMed 17272269 (cited by Women's Health and Genetics/Laboratory Corporation of America, LabCorp and Athena Diagnostics); PubMed 18279890 (cited by Athena Diagnostics); PubMed 20659899 (cited by Athena Diagnostics); PubMed 16639411 (cited by Athena Diagnostics); PubMed 20479361 (cited by Athena Diagnostics); PubMed 28812649 (cited by Mitochondrial Research Group, Newcastle University).

NM_021830.5(TWNK):c.1121G>A (p.Arg374Gln)

Gene: TWNK (twinkle mtDNA helicase; plus strand). Cytogenetic location: 10q24.31.
Variant type: single nucleotide variant.
Coding change: c.1121G>A on transcript NM_021830.5 (MANE Select); coding-DNA position 1121, G replaced by A.
Protein change: p.Arg374Gln; replaces arginine 374 with glutamine.
Molecular consequence: missense variant. On other transcripts: non-coding transcript variant (4), intron variant (3).
Genome position (GRCh38, 1-based): chr10:100,989,331, G>A. VCF-style: chr10-100989331-G-A. GRCh37 (hg19) VCF-style: chr10-102749088-G-A.
Other names: c.1121G>A, p.Arg374Gln (NM_001163812.2); c.-119-313G>A (NM_001163814.2, NM_001163813.2); c.-57-375G>A (NM_001368275.1); short protein forms R374Q.
Identifiers: ClinVar variation 426106 (VCV000426106.12), dbSNP rs1554887097, ClinGen allele CA378209878.